The following is an entry in ClinVar:

ClinVar aggregate classification (germline): Pathogenic. Review status: criteria provided, multiple submitters, no conflicts (2 of 4 stars). 5 submissions from 5 submitters: Pathogenic (3). 2 of the submissions do not count toward it. Last evaluated 2024-10-16.

Allele frequency attached by ClinVar (database versions not stated): ExAC 0.00001; gnomAD exomes 0.00001; TOPMed 0.00001; gnomAD 0.00002.
gnomAD v4.1: 6 of 1,613,950 alleles (0.00037%); highest among the groups gnomAD compares: Non-Finnish European, 0.00051%; no homozygotes.

Submissions (5):

Labcorp Genetics (formerly Invitae), Labcorp
Classification: Pathogenic. Last evaluated: 2024-10-16. Review status: criteria provided, single submitter. Criteria: Invitae Variant Classification Sherloc (09022015). Collection method: clinical testing. Allele origin: germline.
Comment: This sequence change creates a premature translational stop signal (p.Gln187*) in the APTX gene. It is expected to result in an absent or disrupted protein product. Loss-of-function variants in APTX are known to be pathogenic (PMID: 15719174, 21465257, 23183622, 26285866). This variant is present in population databases (rs770579215, gnomAD 0.002%). This premature translational stop signal has been observed in individual(s) with ataxia with oculomotor apraxia type 1 (PMID: 29356829). ClinVar contains an entry for this variant (Variation ID: 870837). Algorithms developed to predict the effect of sequence changes on RNA splicing suggest that this variant may disrupt the consensus splice site. For these reasons, this variant has been classified as Pathogenic.

GeneDx
Classification: Pathogenic. Last evaluated: 2023-04-18. Review status: criteria provided, single submitter. Criteria: GeneDx Variant Classification Process June 2021. Collection method: clinical testing. Allele origin: germline. Affected: yes.
Comment: Observed with a second APTX variant, phase unknown, in a patient with oculomotor apraxia type 1 in the literature (Renaud et al., 2018); Nonsense variant predicted to result in protein truncation or nonsense mediated decay in a gene for which loss of function is a known mechanism of disease; Not observed at significant frequency in large population cohorts (gnomAD); This variant is associated with the following publications: (PMID: 26285866, 27377421, 29356829)

CeGaT Center for Human Genetics Tuebingen
Classification: Pathogenic. Last evaluated: 2019-06-01. Review status: criteria provided, single submitter. Criteria: CeGaT Center For Human Genetics Tuebingen Variant Classification Criteria Version 2. Collection method: clinical testing. Allele origin: germline. Affected: yes. Observed: 2 variant alleles.

Clinical Genetics DNA and cytogenetics Diagnostics Lab, Erasmus MC, Erasmus Medical Center
Classification: Pathogenic. Review status: no assertion criteria provided. Collection method: clinical testing. Allele origin: germline. Affected: yes. Study: VKGL Data-share Consensus. Not counted in ClinVar's aggregate classification.

Genome Diagnostics Laboratory, University Medical Center Utrecht
Classification: Pathogenic. Review status: no assertion criteria provided. Collection method: clinical testing. Allele origin: germline. Affected: yes. Study: VKGL Data-share Consensus. Not counted in ClinVar's aggregate classification.

Literature cited by the submitters: PubMed 15719174 (cited by Labcorp Genetics (formerly Invitae), Labcorp); PubMed 21465257 (cited by Labcorp Genetics (formerly Invitae), Labcorp); PubMed 23183622 (cited by Labcorp Genetics (formerly Invitae), Labcorp); PubMed 26285866 (cited by Labcorp Genetics (formerly Invitae), Labcorp); PubMed 29356829 (cited by Labcorp Genetics (formerly Invitae), Labcorp).

NM_001195248.2(APTX):c.559C>T (p.Gln187Ter)

Gene: APTX (aprataxin; minus strand). Cytogenetic location: 9p21.1.
Variant type: single nucleotide variant.
Coding change: c.559C>T on transcript NM_001195248.2 (MANE Select); coding-DNA position 559, C replaced by T.
Protein change: p.Gln187Ter; replaces glutamine 187 with a stop codon.
Molecular consequence: nonsense. On other transcripts: non-coding transcript variant (9).
Genome position (GRCh38, 1-based): chr9:32,984,842, G>A on the plus strand (C>T on the coding strand, the complement: APTX is on the minus strand). VCF-style: chr9-32984842-G-A. GRCh37 (hg19) VCF-style: chr9-32984840-G-A.
Other names: c.559C>T (NM_175073.2); c.559C>T, p.Gln187Ter (NM_001195249.2, NM_001195251.2, NM_001368995.1 and 6 more transcripts); c.397C>T, p.Gln133Ter (NM_001195250.2, NM_001195254.2, NM_001369000.1 and 1 more transcripts); c.343C>T, p.Gln115Ter (NM_001195252.2); c.295C>T, p.Gln99Ter (NM_001369002.1, NM_001369003.1, NM_001369004.1 and 5 more transcripts); short protein forms Q133*, Q187*, Q99*, Q115*.
Identifiers: ClinVar variation 870837 (VCV000870837.45), dbSNP rs770579215, ClinGen allele CA5022367.